The following is an entry in ClinVar:

NM_213569.2(NEBL):c.358-4751_358-4740del

Genes: NEBL (nebulette; minus strand), LOC126860875 (MED14-independent group 3 enhancer GRCh37_chr10:21105746-21106945; plus strand). Cytogenetic location: 10p12.31.
Variant type: Deletion.
Coding change: c.358-4751_358-4740del on transcript NM_213569.2; 4751 bases into the intron before coding-DNA position 358 through 4740 bases into the intron before coding-DNA position 358, 12 bases deleted (TAAAATATAAGG).
Molecular consequence: intron variant.
Genome position (GRCh38, 1-based): chr10:20,817,680-20,817,691, CCTTATATTTTA deleted on the plus strand (TAAAATATAAGG on the coding strand, the reverse complement: NEBL is on the minus strand); deleting any 12 consecutive bases within chr10:20,817,680-20,817,694 gives the same sequence; the c. name uses the placement nearest the transcript's 3' end. VCF-style (leftmost placement, unchanged base first): chr10-20817679-CCCTTATATTTTA-C. GRCh37 (hg19) VCF-style: chr10-21106608-CCCTTATATTTTA-C.
Other names: c.250-4751_250-4740del (NM_001377326.1, NM_001377327.1, NM_001377328.1); c.358-4751_358-4740del (NM_001173484.2, NM_001377322.1); c.301-4751_301-4740del (NM_001377324.1); c.292-4751_292-4740del (NM_001377325.1); c.310-4751_310-4740del (NM_001377323.1).
Identifiers: ClinVar variation 1467713 (VCV001467713.9), dbSNP rs2130816665, ClinGen allele CA2573145029.

ClinVar aggregate classification (germline): Uncertain significance (1 of 4 stars; one submission).

Conditions:
Primary dilated cardiomyopathy (DCM). Also called: Dilated Cardiomyopathy. Identifiers: Orphanet 217604, MedGen C0007193, MeSH D002311, MONDO:0005021, HP:0001644. Inheritance: Various modes of inheritance.

Submission:

Labcorp Genetics (formerly Invitae), Labcorp
Classification: Uncertain significance for Primary dilated cardiomyopathy. Last evaluated: 2023-05-22. Review status: criteria provided, single submitter. Criteria: Invitae Variant Classification Sherloc (09022015). Collection method: clinical testing. Allele origin: germline.
Comment: In summary, the available evidence is currently insufficient to determine the role of this variant in disease. Therefore, it has been classified as a Variant of Uncertain Significance. Algorithms developed to predict the effect of sequence changes on RNA splicing suggest that this variant may create or strengthen a splice site. Experimental studies and prediction algorithms are not available or were not evaluated, and the functional significance of this variant is currently unknown. ClinVar contains an entry for this variant (Variation ID: 1467713). This variant has not been reported in the literature in individuals affected with NEBL-related conditions. This variant is not present in population databases (gnomAD no frequency). This variant, c.2057_2068del, results in the deletion of 4 amino acid(s) of the NEBL protein (p.Val686_Lys689del), but otherwise preserves the integrity of the reading frame.